The following is an entry in ClinVar:

ClinVar aggregate classification (germline): Uncertain significance (1 of 4 stars; one submission).

Conditions:
Nemaline myopathy 2 (NEM2). Also called: Nemaline myopathy 2, autosomal recessive. Identifiers: MedGen C1850569, MONDO:0009725, OMIM 256030.

Allele frequency attached by ClinVar (database versions not stated): TOPMed below 0.00001.
gnomAD v4.1: 2 of 1,605,844 alleles (0.00012%); no homozygotes.

Submission:

Labcorp Genetics (formerly Invitae), Labcorp
Classification: Uncertain significance for Nemaline myopathy 2. Last evaluated: 2022-07-19. Review status: criteria provided, single submitter. Criteria: Invitae Variant Classification Sherloc (09022015). Collection method: clinical testing. Allele origin: germline.
Comment: This sequence change replaces isoleucine, which is neutral and non-polar, with threonine, which is neutral and polar, at codon 7991 of the NEB protein (p.Ile7991Thr). This variant is not present in population databases (gnomAD no frequency). This variant has not been reported in the literature in individuals affected with NEB-related conditions. ClinVar contains an entry for this variant (Variation ID: 1347469). Algorithms developed to predict the effect of missense changes on protein structure and function output the following: SIFT: "Tolerated"; PolyPhen-2: "Not Available"; Align-GVGD: "Class C0". The threonine amino acid residue is found in multiple mammalian species, which suggests that this missense change does not adversely affect protein function. In summary, the available evidence is currently insufficient to determine the role of this variant in disease. Therefore, it has been classified as a Variant of Uncertain Significance.

NM_001164508.2(NEB):c.23867T>C (p.Ile7956Thr)

Genes: NEB (nebulin; minus strand), RIF1 (replication timing regulatory factor 1; plus strand). Cytogenetic location: 2q23.3.
Variant type: single nucleotide variant.
Coding change: c.23867T>C on transcript NM_001164508.2 (MANE Select); coding-DNA position 23867, T replaced by C.
Protein change: p.Ile7956Thr; replaces isoleucine 7956 with threonine.
Molecular consequence: missense variant.
Genome position (GRCh38, 1-based): chr2:151,502,854, A>G on the plus strand (T>C on the coding strand, the complement: NEB is on the minus strand). VCF-style: chr2-151502854-A-G. GRCh37 (hg19) VCF-style: chr2-152359368-A-G.
Other names: c.23867T>C, p.Ile7956Thr (NM_001164507.2); c.23972T>C, p.Ile7991Thr (NM_001271208.2); c.18764T>C, p.Ile6255Thr (NM_004543.5); short protein forms I6255T, I7956T, I7991T.
Identifiers: ClinVar variation 1347469 (VCV001347469.3), dbSNP rs933996254, ClinGen allele CA57672867.
Genomic context (GRCh38, chr2:151,502,854, plus strand): 5'-GAGCTAAAGTTCTCTTGATTGCGTTTGACTCTCTCCATCTCTGGAGTGATAGGTGTTGGG[A>G]TTCCTTTCCCCAAATTTTCTTTGTACAAAACCTGTGAGATACAAGAAAGTACCCAGAGGA-3'
Protein context (NP_001157980.2, residues 7946-7966): VLYKENLGKG[Ile7956Thr]PTPITPEMER